The following is an entry in ClinVar:

NM_004360.5(CDH1):c.331del (p.Ser111fs)

Gene: CDH1 (cadherin 1; plus strand). Cytogenetic location: 16q22.1.
Variant type: Deletion.
Coding change: c.331del on transcript NM_004360.5 (MANE Select); coding-DNA position 331, one base deleted (T; older notation c.331delT).
Protein change: p.Ser111fs; shifts the reading frame from serine 111.
Molecular consequence: frameshift variant. On other transcripts: 5 prime UTR variant (2).
Genome position (GRCh38, 1-based): chr16:68,801,837, T deleted; the last of 4 consecutive T bases (chr16:68,801,834-68,801,837); deleting any one gives the same sequence. VCF-style (leftmost placement, unchanged base first): chr16-68801833-GT-G. GRCh37 (hg19) VCF-style: chr16-68835736-GT-G.
Other names: c.331del, p.Ser111fs (NM_001317184.2); c.-1285del (NM_001317185.2); c.-1489del (NM_001317186.2); short protein forms S111fs.
Identifiers: ClinVar variation 2583548 (VCV002583548.2), dbSNP rs869087022, ClinGen allele CA283291468.

ClinVar aggregate classification (germline): Pathogenic (1 of 4 stars; one submission).

Conditions:
Hereditary diffuse gastric adenocarcinoma (HDGC). Also called: DIFFUSE GASTRIC AND LOBULAR BREAST CANCER SYNDROME. Identifiers: Orphanet 26106, MedGen C1708349, MONDO:0007648, OMIM 137215.

Submission:

Myriad Genetics, Inc.
Classification: Pathogenic for Hereditary diffuse gastric adenocarcinoma. Last evaluated: 2023-06-08. Review status: criteria provided, single submitter. Criteria: Myriad Autosomal Dominant, Autosomal Recessive and X-Linked Classification Criteria (2023). Collection method: clinical testing. Allele origin: unknown.
Comment: This variant is considered pathogenic. This variant creates a frameshift predicted to result in premature protein truncation.